The following is an entry in ClinVar:

NM_001164508.2(NEB):c.1696G>A (p.Glu566Lys)

Gene: NEB (nebulin; minus strand). Cytogenetic location: 2q23.3.
Variant type: single nucleotide variant.
Coding change: c.1696G>A on transcript NM_001164508.2 (MANE Select); coding-DNA position 1696, G replaced by A.
Protein change: p.Glu566Lys; replaces glutamic acid 566 with lysine.
Molecular consequence: missense variant.
Genome position (GRCh38, 1-based): chr2:151,694,608, C>T on the plus strand (G>A on the coding strand, the complement: NEB is on the minus strand). VCF-style: chr2-151694608-C-T. GRCh37 (hg19) VCF-style: chr2-152551122-C-T.
Other names: c.1696G>A, p.Glu566Lys (NM_001164507.2, NM_001271208.2, NM_004543.5); short protein forms E566K.
Identifiers: ClinVar variation 2075650 (VCV002075650.4), dbSNP rs760795493, ClinGen allele CA1911468.

ClinVar aggregate classification (germline): Uncertain significance. Review status: criteria provided, multiple submitters, no conflicts (2 of 4 stars). 2 submissions from 2 submitters: Uncertain significance (2). Last evaluated 2022-04-25.

Conditions:
Nemaline myopathy 2 (NEM2). Also called: Nemaline myopathy 2, autosomal recessive. Identifiers: MedGen C1850569, MONDO:0009725, OMIM 256030.

Allele frequency attached by ClinVar (database versions not stated): gnomAD 0.00001; ExAC 0.00002.
gnomAD v4.1: 9 of 1,591,392 alleles (0.00057%); highest among the groups gnomAD compares: South Asian, 0.0091%; no homozygotes.

Submissions (2):

Labcorp Genetics (formerly Invitae), Labcorp
Classification: Uncertain significance for Nemaline myopathy 2. Last evaluated: 2022-04-25. Review status: criteria provided, single submitter. Criteria: Invitae Variant Classification Sherloc (09022015). Collection method: clinical testing. Allele origin: germline.
Comment: This sequence change replaces glutamic acid, which is acidic and polar, with lysine, which is basic and polar, at codon 566 of the NEB protein (p.Glu566Lys). This variant is present in population databases (rs760795493, gnomAD 0.007%). This variant has not been reported in the literature in individuals affected with NEB-related conditions. Algorithms developed to predict the effect of missense changes on protein structure and function are either unavailable or do not agree on the potential impact of this missense change (SIFT: "Deleterious"; PolyPhen-2: "Not Available"; Align-GVGD: "Class C0"). In summary, the available evidence is currently insufficient to determine the role of this variant in disease. Therefore, it has been classified as a Variant of Uncertain Significance.

Revvity Omics, Revvity
Classification: Uncertain significance. Last evaluated: 2020-12-04. Review status: criteria provided, single submitter. Criteria: ACMG Guidelines, 2015. Collection method: clinical testing. Allele origin: germline.